The following is an entry in ClinVar:

ClinVar aggregate classification (germline): Benign/Likely benign. Review status: criteria provided, multiple submitters, no conflicts (2 of 4 stars). 3 submissions from 3 submitters: Benign (1); Likely benign (2). Last evaluated 2024-09-30.

Conditions:
Hereditary diffuse gastric adenocarcinoma (HDGC). Also called: DIFFUSE GASTRIC AND LOBULAR BREAST CANCER SYNDROME. Identifiers: Orphanet 26106, MedGen C1708349, MONDO:0007648, OMIM 137215.
Hereditary cancer-predisposing syndrome. Also called: Tumor predisposition; Hereditary Cancer Syndrome; Hereditary neoplastic syndrome; Neoplastic Syndromes, Hereditary. Identifiers: Orphanet 140162, MedGen C0027672, MeSH D009386, MONDO:0015356.

Submissions (3):

Ambry Genetics
Classification: Likely benign for Hereditary cancer-predisposing syndrome. Last evaluated: 2024-09-30. Review status: criteria provided, single submitter. Criteria: Ambry Variant Classification Scheme 2023. Collection method: clinical testing. Allele origin: germline.

Myriad Genetics, Inc.
Classification: Benign for Hereditary diffuse gastric adenocarcinoma. Last evaluated: 2024-09-13. Review status: criteria provided, single submitter. Criteria: Myriad Autosomal Dominant, Autosomal Recessive and X-Linked Classification Criteria (2023). Collection method: clinical testing. Allele origin: unknown.
Comment: This variant is considered benign. This variant is a silent/synonymous amino acid change and it is not expected to impact splicing.

Labcorp Genetics (formerly Invitae), Labcorp
Classification: Likely benign for Hereditary diffuse gastric adenocarcinoma. Last evaluated: 2021-03-16. Review status: criteria provided, single submitter. Criteria: Invitae Variant Classification Sherloc (09022015). Collection method: clinical testing. Allele origin: germline.

NM_004360.5(CDH1):c.564T>C (p.Val188=)

Gene: CDH1 (cadherin 1; plus strand). Cytogenetic location: 16q22.1.
Variant type: single nucleotide variant.
Coding change: c.564T>C on transcript NM_004360.5 (MANE Select); coding-DNA position 564, T replaced by C.
Protein change: p.Val188=; no amino-acid change (valine 188 retained).
Molecular consequence: synonymous variant. On other transcripts: 5 prime UTR variant (2).
Genome position (GRCh38, 1-based): chr16:68,808,725, T>C. VCF-style: chr16-68808725-T-C. GRCh37 (hg19) VCF-style: chr16-68842628-T-C.
Other names: c.564T>C (NM_004360.3); c.564T>C, p.Val188= (NM_001317184.2); c.-1052T>C (NM_001317185.2); c.-1256T>C (NM_001317186.2).
Identifiers: ClinVar variation 1541386 (VCV001541386.10), dbSNP rs2152130105, ClinGen allele CA496392358.
Genomic context (GRCh38, chr16:68,808,725, plus strand): 5'-AATTCTTTTTCTTTCATTTTGTCTTCAGATCAAATCCAACAAAGACAAAGAAGGCAAGGT[T>C]TTCTACAGCATCACTGGCCAAGGAGCTGACACACCCCCTGTTGGTGTCTTTATTATTGAA-3'
Protein context (NP_004351.1, residues 178-198): IKSNKDKEGK[Val188=]FYSITGQGAD